The following is an entry in ClinVar:

ClinVar aggregate classification (germline): Uncertain significance (1 of 4 stars; one submission).

Conditions:
Cardiovascular phenotype. Identifiers: MedGen CN230736.

Submission:

Ambry Genetics
Classification: Uncertain significance for Cardiovascular phenotype. Last evaluated: 2026-08-26. Review status: criteria provided, single submitter. Criteria: Ambry Variant Classification Scheme 2023. Collection method: clinical testing. Allele origin: germline.
Comment: The c.5449-5A>T intronic variant results from an A to T substitution 5 nucleotides upstream from coding exon 39 in the DMD gene. This nucleotide position is well conserved in available vertebrate species. In silico splice site analysis predicts that this alteration will not have any significant effect on splicing. Based on the available evidence, the clinical significance of this variant remains unclear.

NM_004006.3(DMD):c.5449-5A>T

Gene: DMD (dystrophin; minus strand). Cytogenetic location: Xp21.1.
Variant type: single nucleotide variant.
Coding change: c.5449-5A>T on transcript NM_004006.3 (MANE Select); 5 bases into the intron before coding-DNA position 5449, A replaced by T.
Molecular consequence: intron variant.
Genome position (GRCh38, 1-based): chrX:32,346,085, T>A on the plus strand (A>T on the coding strand, the complement: DMD is on the minus strand). VCF-style: chrX-32346085-T-A. GRCh37 (hg19) VCF-style: chrX-32364202-T-A.
Other names: c.5425-5A>T (NM_000109.4); c.1426-5A>T (NM_004011.4); c.1417-5A>T (NM_004012.4); c.5437-5A>T (NM_004009.3); c.5080-5A>T (NM_004010.3).
Identifiers: ClinVar variation 5035401 (VCV005035401.1).